The following is an entry in ClinVar:

NM_033087.4(ALG2):c.1155C>G (p.Thr385=)

Gene: ALG2 (ALG2 alpha-1,3/1,6-mannosyltransferase; minus strand). Cytogenetic location: 9q22.33.
Variant type: single nucleotide variant.
Coding change: c.1155C>G on transcript NM_033087.4 (MANE Select); coding-DNA position 1155, C replaced by G.
Protein change: p.Thr385=; no amino-acid change (threonine 385 retained).
Molecular consequence: synonymous variant. On other transcripts: non-coding transcript variant (1).
Genome position (GRCh38, 1-based): chr9:99,218,030, G>C on the plus strand (C>G on the coding strand, the complement: ALG2 is on the minus strand). VCF-style: chr9-99218030-G-C. GRCh37 (hg19) VCF-style: chr9-101980312-G-C.
Identifiers: ClinVar variation 3053311 (VCV003053311.2), dbSNP rs373175237, ClinGen allele CA5156202.

ClinVar aggregate classification (germline): Likely benign (0 of 4 stars; one submission).

Conditions:
ALG2-related disorder. Also called: ALG2-related condition.

Allele frequency attached by ClinVar (database versions not stated): gnomAD 0.00001; gnomAD exomes 0.00001; ExAC 0.00002; ESP Exome Variant Server 0.00008.
gnomAD v4.1: 10 of 1,614,174 alleles (0.00062%); highest among the groups gnomAD compares: Non-Finnish European, 0.00085%; no homozygotes.

Submission:

PreventionGenetics, part of Exact Sciences
Classification: Likely benign for ALG2-related condition. Last evaluated: 2019-09-05. Review status: no assertion criteria provided. Collection method: clinical testing. Allele origin: germline.
Comment: This variant is classified as likely benign based on ACMG/AMP sequence variant interpretation guidelines (Richards et al. 2015 PMID: 25741868, with internal and published modifications).